The following is an entry in ClinVar:

NM_004606.5(TAF1):c.101G>A (p.Gly34Glu)

Gene: TAF1 (TATA-box binding protein associated factor 1; plus strand). Cytogenetic location: Xq13.1.
Variant type: single nucleotide variant.
Coding change: c.101G>A on transcript NM_004606.5 (MANE Select); coding-DNA position 101, G replaced by A.
Protein change: p.Gly34Glu; replaces glycine 34 with glutamic acid.
Molecular consequence: missense variant. On other transcripts: non-coding transcript variant (9).
Genome position (GRCh38, 1-based): chrX:71,366,475, G>A. VCF-style: chrX-71366475-G-A. GRCh37 (hg19) VCF-style: chrX-70586325-G-A.
Other names: c.161G>A (NM_004606.4); c.101G>A, p.Gly34Glu (NM_001286074.2, NM_138923.4); short protein forms G34E.
Identifiers: ClinVar variation 1708764 (VCV001708764.3), dbSNP rs2032484695, ClinGen allele CA413503033.

ClinVar aggregate classification (germline): Uncertain significance. Review status: criteria provided, multiple submitters, no conflicts (2 of 4 stars). 2 submissions from 2 submitters: Uncertain significance (2). Last evaluated 2024-10-09.

Conditions:
Intellectual developmental disorder, X-linked, syndromic 33. Also called: X-linked intellectual disability-global development delay-facial dysmorphism-sacral caudal remnant syndrome; Intellectual disability, X-linked, syndromic 33. Identifiers: Orphanet 480907, MedGen C4225418, MONDO:0010500, OMIM 300966.

Allele frequency attached by ClinVar (database versions not stated): TOPMed 0.00001; gnomAD exomes 0.00001.
gnomAD v4.1: 14 of 1,200,026 alleles (0.0012%); highest among the groups gnomAD compares: Non-Finnish European, 0.0016%; no homozygotes.

Submissions (2):

Victorian Clinical Genetics Services, Murdoch Childrens Research Institute
Classification: Uncertain significance for Intellectual developmental disorder, X-linked, syndromic 33. Last evaluated: 2024-10-09. Review status: criteria provided, single submitter. Criteria: ACMG Guidelines, 2015. Collection method: clinical testing. Allele origin: germline. Inheritance: X-linked recessive inheritance. Affected: yes.
Comment: Based on the classification scheme VCGS_Germline_v1.3.4, this variant is classified as VUS-3C Following criteria are met: 0102 - Loss of function is a likely mechanism of disease in this gene and is associated with intellectual developmental disorder, X-linked, syndromic 33 (MIM#300966). (I) 0109 - This gene is associated with X-linked recessive disease. (I) 0200 - Variant is predicted to result in a missense amino acid change from glycine to glutamic acid. (I) 0253 - This variant is hemizygous. (I) 0301 - Variant is absent from gnomAD (both v2 and v3). (SP) 0503 - Missense variant consistently predicted to be tolerated by multiple in silico tools. (SB) 0600 - Variant is located in the annotated TBP-binding domain (PMID: 31341187). (I) 0705 - No comparable missense variants have previous evidence for pathogenicity. (I) 0809 - Previous evidence of pathogenicity for this variant is inconclusive. This variant has been classified as a VUS by a clinical laboratory in ClinVar. (I) 0905 - No published segregation evidence has been identified for this variant. (I) 1007 - No published functional evidence has been identified for this variant. (I) Legend: (SP) - Supporting pathogenic, (I) - Information, (SB) - Supporting benign

GeneDx
Classification: Uncertain significance. Last evaluated: 2022-04-07. Review status: criteria provided, single submitter. Criteria: GeneDx Variant Classification Process June 2021. Collection method: clinical testing. Allele origin: germline. Affected: yes.
Comment: Not observed at significant frequency in large population cohorts (gnomAD); In silico analysis supports that this missense variant does not alter protein structure/function; Has not been previously published as pathogenic or benign to our knowledge

Literature cited by the submitters: PubMed 31341187 (cited by Victorian Clinical Genetics Services, Murdoch Childrens Research Institute).